The following is an entry in ClinVar:

NM_001430.5(EPAS1):c.1150G>C (p.Glu384Gln)

Gene: EPAS1 (endothelial PAS domain protein 1; plus strand). Cytogenetic location: 2p21.
Variant type: single nucleotide variant.
Coding change: c.1150G>C on transcript NM_001430.5 (MANE Select); coding-DNA position 1150, G replaced by C.
Protein change: p.Glu384Gln; replaces glutamic acid 384 with glutamine.
Molecular consequence: missense variant.
Genome position (GRCh38, 1-based): chr2:46,376,654, G>C. VCF-style: chr2-46376654-G-C. GRCh37 (hg19) VCF-style: chr2-46603793-G-C.
Other names: short protein forms E384Q.
Identifiers: ClinVar variation 1734028 (VCV001734028.2), dbSNP rs1396288218, ClinGen allele CA346703291.
Genomic context (GRCh38, chr2:46,376,654, plus strand): 5'-AAGCCCCACCTGATGGCCATGAACAGCATCTTTGATAGCAGTGGCAAGGGGGCTGTGTCT[G>C]AGAAGAGTAACTTCCTATTCACCAAGCTAAAGGAGGAGCCCGAGGAGCTGGCCCAGCTGG-3'
Protein context (NP_001421.2, residues 374-394): FDSSGKGAVS[Glu384Gln]KSNFLFTKLK

ClinVar aggregate classification (germline): Uncertain significance (1 of 4 stars; one submission).

Conditions:
Inborn genetic diseases. Identifiers: MedGen C0950123, MeSH D030342.

Allele frequency attached by ClinVar (database versions not stated): gnomAD exomes below 0.00001.
gnomAD v4.1: 6 of 1,614,168 alleles (0.00037%); highest among the groups gnomAD compares: Non-Finnish European, 0.00042%; no homozygotes.

Submission:

Ambry Genetics
Classification: Uncertain significance for Inborn genetic diseases. Last evaluated: 2021-07-13. Review status: criteria provided, single submitter. Criteria: Ambry Variant Classification Scheme 2023. Collection method: clinical testing. Allele origin: germline.
Comment: The p.E384Q variant (also known as c.1150G>C), located in coding exon 9 of the EPAS1 gene, results from a G to C substitution at nucleotide position 1150. The glutamic acid at codon 384 is replaced by glutamine, an amino acid with highly similar properties. This amino acid position is conserved. In addition, this alteration is predicted to be tolerated by in silico analysis. Since supporting evidence is limited at this time, the clinical significance of this alteration remains unclear.